The following is an entry in ClinVar:

ClinVar aggregate classification (germline): Uncertain significance (1 of 4 stars; one submission).

Submission:

Dasa
Classification: Uncertain significance. Last evaluated: 2025-10-30. Review status: criteria provided, single submitter. Criteria: DASA Assertion Criteria. Collection method: clinical testing. Allele origin: germline.
Comment: NM_001379200.1(TBX1):c.389A>G (p.Asp130Gly) is a missense variant that results in the substitution of aspartic acid with glycine. This variant is rare in population databases. The currently available literature and clinical evidence are not sufficient to establish a definitive association between this variant and the reported condition. Therefore, this variant is classified as a variant of uncertain significance.

NM_001379200.1(TBX1):c.389A>G (p.Asp130Gly)

Gene: TBX1 (T-box transcription factor 1; plus strand). Cytogenetic location: 22q11.21.
Variant type: single nucleotide variant.
Coding change: c.389A>G on transcript NM_001379200.1 (MANE Select); coding-DNA position 389, A replaced by G.
Protein change: p.Asp130Gly; replaces aspartic acid 130 with glycine.
Molecular consequence: missense variant.
Genome position (GRCh38, 1-based): chr22:19,761,232, A>G. VCF-style: chr22-19761232-A-G. GRCh37 (hg19) VCF-style: chr22-19748755-A-G.
Other names: c.362A>G, p.Asp121Gly (NM_005992.1, NM_080646.2, NM_080647.1); short protein forms D121G, D130G.
Identifiers: ClinVar variation 4883818 (VCV004883818.2).